The following is an entry in ClinVar:

ClinVar aggregate classification (germline): Likely benign. Review status: criteria provided, multiple submitters, no conflicts (2 of 4 stars). 3 submissions from 3 submitters: Likely benign (2). 1 of the submissions does not count toward it. Last evaluated 2024-05-08.

Conditions:
GRIA3-related disorder. Also called: GRIA3-related condition.

Allele frequency attached by ClinVar (database versions not stated): TOPMed 0.00002.
gnomAD v4.1: 24 of 1,209,602 alleles (0.002%); highest among the groups gnomAD compares: Non-Finnish European, 0.0026%; no homozygotes.

Submissions (3):

Labcorp Genetics (formerly Invitae), Labcorp
Classification: Likely benign. Last evaluated: 2024-05-08. Review status: criteria provided, single submitter. Criteria: Invitae Variant Classification Sherloc (09022015). Collection method: clinical testing. Allele origin: germline.

Blueprint Genetics
Classification: Likely benign. Last evaluated: 2023-02-15. Review status: criteria provided, single submitter. Criteria: ACMG Guidelines, 2015. Collection method: clinical testing. Allele origin: germline.

PreventionGenetics, part of Exact Sciences
Classification: Likely benign for GRIA3-related condition. Last evaluated: 2019-05-23. Review status: no assertion criteria provided. Collection method: clinical testing. Allele origin: germline. Not counted in ClinVar's aggregate classification.
Comment: This variant is classified as likely benign based on ACMG/AMP sequence variant interpretation guidelines (Richards et al. 2015 PMID: 25741868, with internal and published modifications).

NM_007325.5(GRIA3):c.57C>A (p.Val19=)

Gene: GRIA3 (glutamate ionotropic receptor AMPA type subunit 3; plus strand). Cytogenetic location: Xq25.
Variant type: single nucleotide variant.
Coding change: c.57C>A on transcript NM_007325.5 (MANE Select); coding-DNA position 57, C replaced by A.
Protein change: p.Val19=; no amino-acid change (valine 19 retained).
Molecular consequence: synonymous variant.
Genome position (GRCh38, 1-based): chrX:123,184,592, C>A. VCF-style: chrX-123184592-C-A. GRCh37 (hg19) VCF-style: chrX-122318444-C-A.
Other names: c.57C>A, p.Val19= (NM_000828.5, NM_001256743.2); c.57C>A (NM_000828.4).
Identifiers: ClinVar variation 1653352 (VCV001653352.11), dbSNP rs896354134, ClinGen allele CA518159375.